The following is an entry in ClinVar:

NM_020754.4(ARHGAP31):c.1537C>G (p.Pro513Ala)

Gene: ARHGAP31 (Rho GTPase activating protein 31; plus strand). Cytogenetic location: 3q13.33.
Variant type: single nucleotide variant.
Coding change: c.1537C>G on transcript NM_020754.4 (MANE Select); coding-DNA position 1537, C replaced by G.
Protein change: p.Pro513Ala; replaces proline 513 with alanine.
Molecular consequence: missense variant.
Genome position (GRCh38, 1-based): chr3:119,402,289, C>G. VCF-style: chr3-119402289-C-G. GRCh37 (hg19) VCF-style: chr3-119121136-C-G.
Other names: c.1537C>G (NM_020754.2); short protein forms P513A.
Identifiers: ClinVar variation 1920977 (VCV001920977.6), dbSNP rs547256013, ClinGen allele CA2553839.
Genomic context (GRCh38, chr3:119,402,289, plus strand): 5'-TCTGTGCCGCTCCGCGTGTCCGCAGTCATCAGCACCAACAGCACGCCGTGCAGAACACCC[C>G]CGAAGGAGCTGCAGTCTCTTTCCAGCCTGGAAGAGTTTTCTTTTCATGGATCAGAGAGCG-3'
Protein context (NP_065805.2, residues 503-523): STNSTPCRTP[Pro513Ala]KELQSLSSLE

ClinVar aggregate classification (germline): Uncertain significance. Review status: criteria provided, multiple submitters, no conflicts (2 of 4 stars). 2 submissions from 2 submitters: Uncertain significance (2). Last evaluated 2025-08-19.

Conditions:
Inborn genetic diseases. Identifiers: MedGen C0950123, MeSH D030342.

Allele frequency attached by ClinVar (database versions not stated): TOPMed 0.00004.
gnomAD v4.1: 35 of 1,614,154 alleles (0.0022%); highest among the groups gnomAD compares: Admixed American, 0.01%; no homozygotes.

Submissions (2):

Ambry Genetics
Classification: Uncertain significance for Inborn genetic diseases. Last evaluated: 2025-08-19. Review status: criteria provided, single submitter. Criteria: Ambry Variant Classification Scheme 2023. Collection method: clinical testing. Allele origin: germline.

Labcorp Genetics (formerly Invitae), Labcorp
Classification: Uncertain significance. Last evaluated: 2022-08-26. Review status: criteria provided, single submitter. Criteria: Invitae Variant Classification Sherloc (09022015). Collection method: clinical testing. Allele origin: germline.
Comment: In summary, the available evidence is currently insufficient to determine the role of this variant in disease. Therefore, it has been classified as a Variant of Uncertain Significance. Algorithms developed to predict the effect of missense changes on protein structure and function are either unavailable or do not agree on the potential impact of this missense change (SIFT: "Tolerated"; PolyPhen-2: "Possibly Damaging"; Align-GVGD: "Class C0"). This variant has not been reported in the literature in individuals affected with ARHGAP31-related conditions. This variant is present in population databases (rs547256013, gnomAD 0.009%). This sequence change replaces proline, which is neutral and non-polar, with alanine, which is neutral and non-polar, at codon 513 of the ARHGAP31 protein (p.Pro513Ala).